The following is an entry in ClinVar:

NM_001267550.2(TTN):c.3993C>T (p.Ile1331=)

Genes: TTN (titin; minus strand), LOC101927055 (uncharacterized LOC101927055; plus strand). Cytogenetic location: 2q31.2.
Variant type: single nucleotide variant.
Coding change: c.3993C>T on transcript NM_001267550.2 (MANE Select); coding-DNA position 3993, C replaced by T.
Protein change: p.Ile1331=; no amino-acid change (isoleucine 1331 retained).
Molecular consequence: synonymous variant.
Genome position (GRCh38, 1-based): chr2:178,779,089, G>A on the plus strand (C>T on the coding strand, the complement: TTN is on the minus strand). VCF-style: chr2-178779089-G-A. GRCh37 (hg19) VCF-style: chr2-179643816-G-A.
Other names: p.I1331I:ATC>ATT; p.Ile1331=; c.3993C>T, p.Ile1331= (NM_133379.5, NM_001256850.1, NM_133378.4); c.3855C>T, p.Ile1285= (NM_133432.3, NM_133437.4, NM_003319.4); c.3993C>T (NM_001267550.1).
Identifiers: ClinVar variation 47014 (VCV000047014.47), dbSNP rs55757622, ClinGen allele CA283308.

ClinVar aggregate classification (germline): Benign/Likely benign. Review status: criteria provided, multiple submitters, no conflicts (2 of 4 stars). 24 submissions from 17 submitters: Benign (19); Likely benign (2). 3 of the submissions do not count toward it. Last evaluated 2026-02-04.

Conditions:
Cardiovascular phenotype. Identifiers: MedGen CN230736.
Dilated cardiomyopathy 1G (CMD1G). Identifiers: Orphanet 154, MedGen C1858763, MONDO:0011400, OMIM 604145.
Autosomal recessive limb-girdle muscular dystrophy type 2J (LGMDR10). Also called: Limb-girdle muscular dystrophy, type 2J; MUSCULAR DYSTROPHY, LIMB-GIRDLE, AUTOSOMAL RECESSIVE 10. Identifiers: Orphanet 140922, MedGen C1837342, MONDO:0012127, OMIM 608807.
Cardiomyopathy (CMYO). Also called: Cardiomyopathies. Identifiers: Orphanet 167848, MedGen C0878544, MONDO:0004994, HP:0001638. Inheritance: Various modes of inheritance.
Early-onset myopathy with fatal cardiomyopathy (CMYO5). Also called: CONGENITAL MYOPATHY 5 WITH CARDIOMYOPATHY; Salih Myopathy. Identifiers: Orphanet 289377, MedGen C2673677, MONDO:0012714, OMIM 611705. Disease mechanism: loss of function.
Myopathy, myofibrillar, 9, with early respiratory failure (MFM9). Also called: MYOPATHY, PROXIMAL, WITH EARLY RESPIRATORY MUSCLE INVOLVEMENT; Myopathy, distal, with early respiratory failure, autosomal dominant; Hereditary myopathy with early respiratory failure; EDSTROM MYOPATHY. Identifiers: Orphanet 178464, Orphanet 34521, MedGen C1863599, MONDO:0011362, OMIM 603689.
Tibial muscular dystrophy (TMD). Also called: Tibial muscular dystrophy, tardive; UDD MYOPATHY; Udd Distal Myopathy – Tibial Muscular Dystrophy. Identifiers: Orphanet 609, MedGen C1838244, MONDO:0010870, OMIM 600334.

Allele frequency attached by ClinVar (database versions not stated): ExAC 0.00427; gnomAD 0.01333 and 0.01419; ESP Exome Variant Server 0.01461; TOPMed 0.01487; 1000 Genomes Project 0.01597; 1000 Genomes Project 30x 0.01640.
gnomAD v4.1: 3,864 of 1,613,872 alleles (0.24%); highest among the groups gnomAD compares: African/African-American, 4.5%; 90 homozygotes.

Submissions (24):

Labcorp Genetics (formerly Invitae), Labcorp
Classification: Benign for Dilated cardiomyopathy 1G; Autosomal recessive limb-girdle muscular dystrophy type 2J. Last evaluated: 2026-02-04. Review status: criteria provided, single submitter. Criteria: Invitae Variant Classification Sherloc (09022015). Collection method: clinical testing. Allele origin: germline.

ARUP Laboratories, Molecular Genetics and Genomics, ARUP Laboratories
Classification: Benign. Last evaluated: 2025-07-01. Review status: criteria provided, single submitter. Criteria: ARUP Molecular Germline Variant Investigation Process 2024. Collection method: clinical testing. Allele origin: germline.

Molecular Diagnostic Laboratory for Inherited Cardiovascular Disease, Montreal Heart Institute
Classification: Benign. Last evaluated: 2025-04-09. Review status: criteria provided, single submitter. Criteria: ACMG Guidelines, 2015. Collection method: clinical testing. Allele origin: germline. Affected: no.

Athena Diagnostics
Classification: Benign. Last evaluated: 2025-02-21. Review status: criteria provided, single submitter. Criteria: Athena Diagnostics Criteria. Collection method: clinical testing. Allele origin: unknown.
Comment: The frequency of this variant in the general population is higher than would generally be expected for pathogenic variants in this gene.

Mayo Clinic Laboratories, Mayo Clinic
Classification: Benign. Last evaluated: 2021-10-27. Review status: criteria provided, single submitter. Criteria: ACMG Guidelines, 2015. Collection method: clinical testing. Allele origin: germline. Observed: 20 variant alleles.
Comment: BS1, BS2, BP4, BP7

Genome-Nilou Lab
Classification: Benign for Autosomal recessive limb-girdle muscular dystrophy type 2J. Last evaluated: 2021-09-10. Review status: criteria provided, single submitter. Criteria: ACMG Guidelines, 2015. Collection method: clinical testing. Allele origin: germline. Affected: no.

Genome-Nilou Lab
Classification: Benign for Myopathy, myofibrillar, 9, with early respiratory failure. Last evaluated: 2021-09-10. Review status: criteria provided, single submitter. Criteria: ACMG Guidelines, 2015. Collection method: clinical testing. Allele origin: germline. Affected: no.

Genome-Nilou Lab
Classification: Benign for Early-onset myopathy with fatal cardiomyopathy. Last evaluated: 2021-09-10. Review status: criteria provided, single submitter. Criteria: ACMG Guidelines, 2015. Collection method: clinical testing. Allele origin: germline. Affected: no.

Genome-Nilou Lab
Classification: Benign for Tibial muscular dystrophy. Last evaluated: 2021-09-10. Review status: criteria provided, single submitter. Criteria: ACMG Guidelines, 2015. Collection method: clinical testing. Allele origin: germline. Affected: no.

Women's Health and Genetics/Laboratory Corporation of America, LabCorp
Classification: Benign. Last evaluated: 2019-11-06. Review status: criteria provided, single submitter. Criteria: LabCorp Variant Classification Summary - May 2015. Collection method: clinical testing. Allele origin: germline.
Comment: Variant summary: TTN c.3993C>T alters a non-conserved nucleotide resulting in a synonymous change. 5/5 computational tools predict no significant impact on normal splicing. However, these predictions have yet to be confirmed by functional studies. The variant allele was found at a frequency of 0.0034 in 250004 control chromosomes, predominantly at a frequency of 0.047 within the African or African-American subpopulation in the gnomAD database, including 24 homozygotes. The observed variant frequency within African or African-American control individuals in the gnomAD database is approximately 75-folds over the estimated maximal expected allele frequency for a pathogenic variant in TTN causing Cardiomyopathy phenotype (0.00063), strongly suggesting that the variant is a benign polymorphism found primarily in populations of African or African-American origin. To our knowledge, no occurrence of c.3993C>T in individuals affected with Cardiomyopathy and no experimental evidence demonstrating an impact on protein function have been reported. Four ClinVar submissions (evaluation after 2014) cite the variant three times a benign and once as likely benign. Based on the evidence outlined above, the variant was classified as benign.

Illumina Laboratory Services, Illumina
Classification: Likely benign for Dilated cardiomyopathy 1G. Last evaluated: 2018-01-13. Review status: criteria provided, single submitter. Criteria: ICSL Variant Classification Criteria 13 December 2019. Collection method: clinical testing. Allele origin: germline.
Comment: This variant was observed in the ICSL laboratory as part of a predisposition screen in an ostensibly healthy population. It had not been previously curated by ICSL or reported in the Human Gene Mutation Database (HGMD: prior to June 1st, 2018), and was therefore a candidate for classification through an automated scoring system. Utilizing variant allele frequency, disease prevalence and penetrance estimates, and inheritance mode, an automated score was calculated to assess if this variant is too frequent to cause the disease. Based on the score and internal cut-off values, a variant classified as likely benign is not then subjected to further curation. The score for this variant resulted in a classification of likely benign for this disease.

Illumina Laboratory Services, Illumina
Classification: Benign for Early-onset myopathy with fatal cardiomyopathy. Last evaluated: 2018-01-13. Review status: criteria provided, single submitter. Criteria: ICSL Variant Classification Criteria 13 December 2019. Collection method: clinical testing. Allele origin: germline.
Comment: This variant was observed in the ICSL laboratory as part of a predisposition screen in an ostensibly healthy population. It had not been previously curated by ICSL or reported in the Human Gene Mutation Database (HGMD: prior to June 1st, 2018), and was therefore a candidate for classification through an automated scoring system. Utilizing variant allele frequency, disease prevalence and penetrance estimates, and inheritance mode, an automated score was calculated to assess if this variant is too frequent to cause the disease. Based on the score and internal cut-off values, a variant classified as benign is not then subjected to further curation. The score for this variant resulted in a classification of benign for this disease.

Illumina Laboratory Services, Illumina
Classification: Benign for Autosomal recessive limb-girdle muscular dystrophy type 2J. Last evaluated: 2018-01-13. Review status: criteria provided, single submitter. Criteria: ICSL Variant Classification Criteria 13 December 2019. Collection method: clinical testing. Allele origin: germline.
Comment: the same text as in the submission from Illumina Laboratory Services, Illumina above.

Illumina Laboratory Services, Illumina
Classification: Benign for Tibial muscular dystrophy. Last evaluated: 2018-01-13. Review status: criteria provided, single submitter. Criteria: ICSL Variant Classification Criteria 13 December 2019. Collection method: clinical testing. Allele origin: germline.
Comment: the same text as in the submission from Illumina Laboratory Services, Illumina above.

Illumina Laboratory Services, Illumina
Classification: Benign for Myopathy, myofibrillar, 9, with early respiratory failure. Last evaluated: 2018-01-13. Review status: criteria provided, single submitter. Criteria: ICSL Variant Classification Criteria 13 December 2019. Collection method: clinical testing. Allele origin: germline.
Comment: the same text as in the submission from Illumina Laboratory Services, Illumina above.

CHEO Genetics Diagnostic Laboratory, Children's Hospital of Eastern Ontario
Classification: Benign for Cardiomyopathy. Last evaluated: 2016-03-03. Review status: criteria provided, single submitter. Criteria: ACMG Guidelines, 2015. Collection method: clinical testing. Allele origin: germline. Study: Canadian Open Genetics Repository.

Ambry Genetics
Classification: Benign for Cardiovascular phenotype. Last evaluated: 2015-05-27. Review status: criteria provided, single submitter. Criteria: Ambry Variant Classification Scheme 2023. Collection method: clinical testing. Allele origin: germline.

GeneDx
Classification: Benign. Last evaluated: 2014-04-07. Review status: criteria provided, single submitter. Criteria: GeneDx Variant Classification (06012015). Collection method: clinical testing. Allele origin: germline. Affected: yes.
Comment: This variant is considered likely benign or benign based on one or more of the following criteria: it is a conservative change, it occurs at a poorly conserved position in the protein, it is predicted to be benign by multiple in silico algorithms, and/or has population frequency not consistent with disease.

Genetic Services Laboratory, University of Chicago
Classification: Benign for AllHighlyPenetrant. Last evaluated: 2013-08-15. Review status: criteria provided, single submitter. Criteria: ACMG Guidelines, 2007. Collection method: clinical testing. Allele origin: germline.

Laboratory for Molecular Medicine, Mass General Brigham Personalized Medicine
Classification: Benign. Last evaluated: 2012-02-07. Review status: criteria provided, single submitter. Criteria: LMM Criteria. Collection method: clinical testing. Allele origin: germline. Observed: 24 variant alleles.

Breakthrough Genomics
Classification: Likely benign. Review status: criteria provided, single submitter. Criteria: ACMG Guidelines, 2015. Collection method: not provided. Allele origin: germline. Inheritance: Autosomal recessive inheritance. Affected: yes.

Clinical Genetics DNA and cytogenetics Diagnostics Lab, Erasmus MC, Erasmus Medical Center
Classification: Benign. Review status: no assertion criteria provided. Collection method: clinical testing. Allele origin: germline. Affected: yes. Study: VKGL Data-share Consensus. Not counted in ClinVar's aggregate classification.

Clinical Genetics, Academic Medical Center
Classification: Benign. Review status: no assertion criteria provided. Collection method: clinical testing. Allele origin: germline. Affected: yes. Study: VKGL Data-share Consensus. Not counted in ClinVar's aggregate classification.

Laboratory of Diagnostic Genome Analysis, Leiden University Medical Center (LUMC)
Classification: Likely benign. Review status: no assertion criteria provided. Collection method: clinical testing. Allele origin: germline. Affected: yes. Study: VKGL Data-share Consensus. Not counted in ClinVar's aggregate classification.